The following is an entry in ClinVar:

ClinVar aggregate classification (germline): Benign/Likely benign. Review status: criteria provided, multiple submitters, no conflicts (2 of 4 stars). 3 submissions from 3 submitters: Benign (1); Likely benign (1). 1 of the submissions does not count toward it. Last evaluated 2026-05-09.

Conditions:
RREB1-related disorder. Also called: RREB1-related condition.

Allele frequency attached by ClinVar (database versions not stated): 1000 Genomes Project 0.09625; gnomAD 0.08835 and 0.09153; ExAC 0.10648; gnomAD exomes 0.11645 and 0.10569; TOPMed 0.08840; 1000 Genomes Project 30x 0.09229; ESP Exome Variant Server 0.08043.
gnomAD v4.1: 183,960 of 1,611,528 alleles (11%); highest among the groups gnomAD compares: East Asian, 20%; 11,452 homozygotes.

Submissions (9):

Women's Health and Genetics/Laboratory Corporation of America, LabCorp
Classification: Likely benign. Last evaluated: 2026-05-09. Review status: criteria provided, single submitter. Criteria: LabCorp Variant Classification Summary - May 2015. Collection method: clinical testing. Allele origin: germline.

GeneDx
Classification: Benign. Last evaluated: 2021-04-09. Review status: criteria provided, single submitter. Criteria: GeneDx Variant Classification Process June 2021. Collection method: clinical testing. Allele origin: germline. Affected: yes.
Comment: This variant is associated with the following publications: (PMID: 27398621, 29632382, 30297969)

PreventionGenetics, part of Exact Sciences
Classification: Benign for RREB1-related condition. Last evaluated: 2019-10-17. Review status: no assertion criteria provided. Collection method: clinical testing. Allele origin: germline. Not counted in ClinVar's aggregate classification.
Comment: This variant is classified as benign based on ACMG/AMP sequence variant interpretation guidelines (Richards et al. 2015 PMID: 25741868, with internal and published modifications).

Dr. Peter K. Rogan Lab, Western University
No classification provided (evidence only). Condition: Colorectal cancer. Review status: no classification provided. Collection method: in vitro. Allele origin: not applicable. Functional consequence: retained intron. Not counted in ClinVar's aggregate classification.

Dr. Peter K. Rogan Lab, Western University
No classification provided (evidence only). Condition: Colorectal cancer. Review status: no classification provided. Collection method: in vitro. Allele origin: not applicable. Functional consequence: retained intron. Not counted in ClinVar's aggregate classification.

Dr. Peter K. Rogan Lab, Western University
No classification provided (evidence only). Condition: Colorectal cancer. Review status: no classification provided. Collection method: in vitro. Allele origin: not applicable. Functional consequence: retained intron. Not counted in ClinVar's aggregate classification.

Dr. Peter K. Rogan Lab, Western University
No classification provided (evidence only). Condition: Cholangiocarcinoma. Review status: no classification provided. Collection method: in vitro. Allele origin: not applicable. Functional consequence: skipped exon. Not counted in ClinVar's aggregate classification.

Dr. Peter K. Rogan Lab, Western University
No classification provided (evidence only). Condition: Cholangiocarcinoma. Review status: no classification provided. Collection method: in vitro. Allele origin: not applicable. Functional consequence: retained intron. Not counted in ClinVar's aggregate classification.

Dr. Peter K. Rogan Lab, Western University
No classification provided (evidence only). Condition: Uveal melanoma. Review status: no classification provided. Collection method: in vitro. Allele origin: not applicable. Functional consequence: skipped exon. Not counted in ClinVar's aggregate classification.

NM_001003699.4(RREB1):c.3511G>A (p.Asp1171Asn)

Gene: RREB1 (ras responsive element binding protein 1; plus strand). Cytogenetic location: 6p24.3.
Variant type: single nucleotide variant.
Coding change: c.3511G>A on transcript NM_001003699.4 (MANE Select); coding-DNA position 3511, G replaced by A.
Protein change: p.Asp1171Asn; replaces aspartic acid 1171 with asparagine.
Molecular consequence: missense variant.
Genome position (GRCh38, 1-based): chr6:7,231,610, G>A. VCF-style: chr6-7231610-G-A. GRCh37 (hg19) VCF-style: chr6-7231843-G-A.
Other names: NC_000006.11:g.7231843G>A; c.3511G>A, p.Asp1171Asn (NM_001003698.4, NM_001003700.2, NM_001168344.2); short protein forms D1171N.
Identifiers: ClinVar variation 1297809 (VCV001297809.6), dbSNP rs9379084, ClinGen allele CA3626212.